The following is an entry in ClinVar:

ClinVar aggregate classification (germline): Likely benign (1 of 4 stars; one submission).

Allele frequency attached by ClinVar (database versions not stated): gnomAD exomes 0.00001.
gnomAD v4.1: 2 of 1,401,526 alleles (0.00014%); highest among the groups gnomAD compares: Non-Finnish European, 0.00018%; no homozygotes.

Submission:

CeGaT Center for Human Genetics Tuebingen
Classification: Likely benign. Last evaluated: 2026-08-01. Review status: criteria provided, single submitter. Criteria: CeGaT Center For Human Genetics Tuebingen Variant Classification Criteria Version 2. Collection method: clinical testing. Allele origin: germline. Affected: yes. Observed: 6 variant alleles.
Comment: BTBD17: BP4, BP7

NM_001080466.2(BTBD17):c.1170A>G (p.Arg390=)

Gene: BTBD17 (BTB domain containing 17; minus strand). Cytogenetic location: 17q25.1.
Variant type: single nucleotide variant.
Coding change: c.1170A>G on transcript NM_001080466.2 (MANE Select); coding-DNA position 1170, A replaced by G.
Protein change: p.Arg390=; no amino-acid change (arginine 390 retained).
Molecular consequence: synonymous variant.
Genome position (GRCh38, 1-based): chr17:74,356,924, T>C on the plus strand (A>G on the coding strand, the complement: BTBD17 is on the minus strand). VCF-style: chr17-74356924-T-C. GRCh37 (hg19) VCF-style: chr17-72353063-T-C.
Identifiers: ClinVar variation 2648201 (VCV002648201.24), dbSNP rs2054895453, ClinGen allele CA502029876.